The following is an entry in ClinVar:

ClinVar aggregate classification (germline): Likely benign (1 of 4 stars; one submission).

Allele frequency attached by ClinVar (database versions not stated): gnomAD 0.00001; TOPMed 0.00001; gnomAD exomes 0.00002.
gnomAD v4.1: 29 of 1,613,854 alleles (0.0018%); highest among the groups gnomAD compares: Non-Finnish European, 0.0022%; no homozygotes.

Submission:

CeGaT Center for Human Genetics Tuebingen
Classification: Likely benign. Last evaluated: 2024-04-01. Review status: criteria provided, single submitter. Criteria: CeGaT Center For Human Genetics Tuebingen Variant Classification Criteria Version 2. Collection method: clinical testing. Allele origin: germline. Affected: yes. Observed: 1 variant allele.
Comment: NDUFS1: BP4, BP7

NM_005006.7(NDUFS1):c.1470T>C (p.Leu490=)

Gene: NDUFS1 (NADH:ubiquinone oxidoreductase core subunit S1; minus strand). Cytogenetic location: 2q33.3.
Variant type: single nucleotide variant.
Coding change: c.1470T>C on transcript NM_005006.7 (MANE Select); coding-DNA position 1470, T replaced by C.
Protein change: p.Leu490=; no amino-acid change (leucine 490 retained).
Molecular consequence: synonymous variant.
Genome position (GRCh38, 1-based): chr2:206,133,028, A>G on the plus strand (T>C on the coding strand, the complement: NDUFS1 is on the minus strand). VCF-style: chr2-206133028-A-G. GRCh37 (hg19) VCF-style: chr2-206997752-A-G.
Other names: c.1362T>C, p.Leu454= (NM_001199981.2); c.1137T>C, p.Leu379= (NM_001199982.2); c.1299T>C, p.Leu433= (NM_001199983.2); c.1512T>C, p.Leu504= (NM_001199984.2).
Identifiers: ClinVar variation 3234576 (VCV003234576.20), dbSNP rs1295172820, ClinGen allele CA430945029.